The following is an entry in ClinVar:

NM_152722.5(HEPACAM):c.46C>A (p.Arg16Ser)

Gene: HEPACAM (hepatic and glial cell adhesion molecule; minus strand). Cytogenetic location: 11q24.2.
Variant type: single nucleotide variant.
Coding change: c.46C>A on transcript NM_152722.5 (MANE Select); coding-DNA position 46, C replaced by A.
Protein change: p.Arg16Ser; replaces arginine 16 with serine.
Molecular consequence: missense variant.
Genome position (GRCh38, 1-based): chr11:124,935,961, G>T on the plus strand (C>A on the coding strand, the complement: HEPACAM is on the minus strand). VCF-style: chr11-124935961-G-T. GRCh37 (hg19) VCF-style: chr11-124805857-G-T.
Other names: c.46C>A (NM_152722.4); short protein forms R16S.
Identifiers: ClinVar variation 1399738 (VCV001399738.7), dbSNP rs549252759, ClinGen allele CA6345847.

ClinVar aggregate classification (germline): Uncertain significance. Review status: criteria provided, multiple submitters, no conflicts (2 of 4 stars). 2 submissions from 2 submitters: Uncertain significance (2). Last evaluated 2025-08-07.

Conditions:
Inborn genetic diseases. Identifiers: MedGen C0950123, MeSH D030342.

Allele frequency attached by ClinVar (database versions not stated): TOPMed 0.00008; gnomAD 0.00014 and 0.00015; 1000 Genomes Project 30x 0.00031; 1000 Genomes Project 0.00040.
gnomAD v4.1: 32 of 1,614,024 alleles (0.002%); highest among the groups gnomAD compares: Admixed American, 0.047%; no homozygotes.

Submissions (2):

Ambry Genetics
Classification: Uncertain significance for Inborn genetic diseases. Last evaluated: 2025-08-07. Review status: criteria provided, single submitter. Criteria: Ambry Variant Classification Scheme 2023. Collection method: clinical testing. Allele origin: germline.

Labcorp Genetics (formerly Invitae), Labcorp
Classification: Uncertain significance. Last evaluated: 2023-08-10. Review status: criteria provided, single submitter. Criteria: Invitae Variant Classification Sherloc (09022015). Collection method: clinical testing. Allele origin: germline.
Comment: ClinVar contains an entry for this variant (Variation ID: 1399738). This variant has not been reported in the literature in individuals affected with HEPACAM-related conditions. This variant is present in population databases (rs549252759, gnomAD 0.02%). This sequence change replaces arginine, which is basic and polar, with serine, which is neutral and polar, at codon 16 of the HEPACAM protein (p.Arg16Ser). In summary, the available evidence is currently insufficient to determine the role of this variant in disease. Therefore, it has been classified as a Variant of Uncertain Significance. Advanced modeling of protein sequence and biophysical properties (such as structural, functional, and spatial information, amino acid conservation, physicochemical variation, residue mobility, and thermodynamic stability) performed at Invitae indicates that this missense variant is not expected to disrupt HEPACAM protein function.